The following is an entry in ClinVar:

ClinVar aggregate classification (germline): Benign (1 of 4 stars; one submission).

Allele frequency attached by ClinVar (database versions not stated): 1000 Genomes Project 30x 0.00031; 1000 Genomes Project 0.00040; gnomAD 0.00041; ExAC 0.01724.
gnomAD v4.1: 51 of 92,038 alleles (0.055%); highest among the groups gnomAD compares: South Asian, 0.27%; 1 homozygote.

Submission:

CeGaT Center for Human Genetics Tuebingen
Classification: Benign. Last evaluated: 2022-10-01. Review status: criteria provided, single submitter. Criteria: CeGaT Center For Human Genetics Tuebingen Variant Classification Criteria Version 2. Collection method: clinical testing. Allele origin: germline. Affected: yes. Observed: 1 variant allele.
Comment: SRCIN1: BS1, BS2

NM_025248.3(SRCIN1):c.3270+719G>A

Gene: SRCIN1 (SRC kinase signaling inhibitor 1; minus strand). Cytogenetic location: 17q12.
Variant type: single nucleotide variant.
Coding change: c.3270+719G>A on transcript NM_025248.3 (MANE Select); 719 bases into the intron after coding-DNA position 3270, G replaced by A.
Molecular consequence: intron variant.
Genome position (GRCh38, 1-based): chr17:38,547,838, C>T on the plus strand (G>A on the coding strand, the complement: SRCIN1 is on the minus strand). VCF-style: chr17-38547838-C-T. GRCh37 (hg19) VCF-style: chr17-36704074-C-T.
Identifiers: ClinVar variation 2647702 (VCV002647702.24), dbSNP rs556366956, ClinGen allele CA8522846.